The following is an entry in ClinVar:

NC_000011.9:g.(?_2591838)_(2604795_?)dup

Gene: KCNQ1 (potassium voltage-gated channel subfamily Q member 1; plus strand). Cytogenetic location: 11p15.5.
Variant type: Duplication.
Identifiers: ClinVar variation 1372406 (VCV001372406.6).

ClinVar aggregate classification (germline): Uncertain significance (1 of 4 stars; one submission).

Conditions:
Long QT syndrome (LQTS). Identifiers: MedGen C0023976, MeSH D008133, MONDO:0002442. Disease mechanism: loss of function. Inheritance: Various modes of inheritance.

Submission:

Labcorp Genetics (formerly Invitae), Labcorp
Classification: Uncertain significance for Long QT syndrome. Last evaluated: 2024-01-29. Review status: criteria provided, single submitter. Criteria: Invitae Variant Classification Sherloc (09022015). Collection method: clinical testing. Allele origin: germline.
Comment: This variant results in a copy number gain of the genomic region encompassing exon(s) 3-7 of the KCNQ1 gene. While the exact position of this variant cannot be determined from the data, sub-genic copy number gains are generally in tandem (PMID: 25640679). This variant is predicted to be in-frame, and likely preserves the integrity of the reading frame. This variant has not been reported in the literature in individuals affected with KCNQ1-related conditions. Experimental studies and prediction algorithms are not available or were not evaluated, and the functional significance of this variant is currently unknown. In summary, the available evidence is currently insufficient to determine the role of this variant in disease. Therefore, it has been classified as a Variant of Uncertain Significance.

Literature cited by the submitters: PubMed 25640679.